The following is an entry in ClinVar:

NM_005257.6(GATA6):c.1515T>G (p.Ser505=)

Gene: GATA6 (GATA binding protein 6; plus strand). Cytogenetic location: 18q11.2.
Variant type: single nucleotide variant.
Coding change: c.1515T>G on transcript NM_005257.6 (MANE Select); coding-DNA position 1515, T replaced by G.
Protein change: p.Ser505=; no amino-acid change (serine 505 retained).
Molecular consequence: synonymous variant.
Genome position (GRCh38, 1-based): chr18:22,182,843, T>G. VCF-style: chr18-22182843-T-G. GRCh37 (hg19) VCF-style: chr18-19762804-T-G.
Identifiers: ClinVar variation 472912 (VCV000472912.9), dbSNP rs770405157, ClinGen allele CA8909002.

ClinVar aggregate classification (germline): Uncertain significance (1 of 4 stars; one submission).

Conditions:
Atrioventricular septal defect 5 (AVSD5). Identifiers: MedGen C3280939, MONDO:0013769, OMIM 614474.

Allele frequency attached by ClinVar (database versions not stated): gnomAD exomes below 0.00001; ExAC 0.00001.
gnomAD v4.1: 2 of 1,611,734 alleles (0.00012%); highest among the groups gnomAD compares: Admixed American, 0.0033%; no homozygotes.

Submission:

Labcorp Genetics (formerly Invitae), Labcorp
Classification: Uncertain significance for Atrioventricular septal defect 5. Last evaluated: 2022-05-18. Review status: criteria provided, single submitter. Criteria: Invitae Variant Classification Sherloc (09022015). Collection method: clinical testing. Allele origin: germline.
Comment: This sequence change affects codon 505 of the GATA6 mRNA. It is a 'silent' change, meaning that it does not change the encoded amino acid sequence of the GATA6 protein. It affects a nucleotide within the consensus splice site. This variant is present in population databases (rs770405157, gnomAD 0.003%). This variant has not been reported in the literature in individuals affected with GATA6-related conditions. ClinVar contains an entry for this variant (Variation ID: 472912). Algorithms developed to predict the effect of sequence changes on RNA splicing suggest that this variant is not likely to affect RNA splicing. In summary, the available evidence is currently insufficient to determine the role of this variant in disease. Therefore, it has been classified as a Variant of Uncertain Significance.